The following is an entry in ClinVar:

ClinVar aggregate classification (germline): Uncertain significance (1 of 4 stars; one submission).

gnomAD v4.1: 1 of 1,613,228 alleles (0.000062%); highest among the groups gnomAD compares: Non-Finnish European, 0.000085%; no homozygotes.

Submission:

CeGaT Center for Human Genetics Tuebingen
Classification: Uncertain significance. Last evaluated: 2025-01-01. Review status: criteria provided, single submitter. Criteria: CeGaT Center For Human Genetics Tuebingen Variant Classification Criteria Version 2. Collection method: clinical testing. Allele origin: germline. Affected: yes. Observed: 1 variant allele.
Comment: KCTD17: PM2, BP4

NM_001282684.2(KCTD17):c.521G>T (p.Ser174Ile)

Gene: KCTD17 (potassium channel tetramerization domain containing 17; plus strand). Cytogenetic location: 22q12.3.
Variant type: single nucleotide variant.
Coding change: c.521G>T on transcript NM_001282684.2 (MANE Select); coding-DNA position 521, G replaced by T.
Protein change: p.Ser174Ile; replaces serine 174 with isoleucine.
Molecular consequence: missense variant.
Genome position (GRCh38, 1-based): chr22:37,059,347, G>T. VCF-style: chr22-37059347-G-T. GRCh37 (hg19) VCF-style: chr22-37455387-G-T.
Other names: c.521G>T, p.Ser174Ile (NM_001282685.2, NM_001282686.2, NM_024681.4); short protein forms S174I.
Identifiers: ClinVar variation 3772315 (VCV003772315.13).
Genomic context (GRCh38, chr22:37,059,347, plus strand): 5'-TTTCTCCCCATGCTCCGCCCCTCTAGCTGGTGAACATCGGCTCCTCCTACAACTACGGCA[G>T]CGAGGACCAGGCAGAGTTCCTGTGTGTGGTGTCCAAGGAGCTCCACAGCACCCCAAACGG-3'
Protein context (NP_001269613.2, residues 164-184): VNIGSSYNYG[Ser174Ile]EDQAEFLCVV